The following is an entry in ClinVar:

NM_000618.5(IGF1):c.315G>A (p.Leu105=)

Genes: IGF1 (insulin like growth factor 1; minus strand), LINC02456 (long intergenic non-protein coding RNA 2456; plus strand). Cytogenetic location: 12q23.2.
Variant type: single nucleotide variant.
Coding change: c.315G>A on transcript NM_000618.5 (MANE Select); coding-DNA position 315, G replaced by A.
Protein change: p.Leu105=; no amino-acid change (leucine 105 retained).
Molecular consequence: synonymous variant.
Genome position (GRCh38, 1-based): chr12:102,419,596, C>T on the plus strand (G>A on the coding strand, the complement: IGF1 is on the minus strand). VCF-style: chr12-102419596-C-T. GRCh37 (hg19) VCF-style: chr12-102813374-C-T.
Other names: c.315G>A, p.Leu105= (NM_001111283.3, NM_001111285.3, NM_001414005.1 and 1 more transcripts); c.267G>A, p.Leu89= (NM_001111284.2, NM_001414006.1).
Identifiers: ClinVar variation 3896290 (VCV003896290.2).

ClinVar aggregate classification (germline): Likely benign (1 of 4 stars; one submission).

gnomAD v4.1: 9 of 1,613,816 alleles (0.00056%); highest among the groups gnomAD compares: Non-Finnish European, 0.00068%; no homozygotes.

Submission:

Women's Health and Genetics/Laboratory Corporation of America, LabCorp
Classification: Likely benign. Last evaluated: 2025-04-14. Review status: criteria provided, single submitter. Criteria: LabCorp Variant Classification Summary - May 2015. Collection method: clinical testing. Allele origin: germline.
Comment: Variant summary: IGF1 c.315G>A alters a conserved nucleotide resulting in a synonymous change. The variant allele was found at a frequency of 8e-06 in 250978 control chromosomes. The available data on variant occurrences in the general population are insufficient to allow any conclusion about variant significance. To our knowledge, no occurrence of c.315G>A in individuals affected with Growth Delay Due To Insulin-Like Growth Factor Type 1 Deficiency and no experimental evidence demonstrating its impact on protein function have been reported. No submitters have cited clinical-significance assessments for this variant to ClinVar. Based on the evidence outlined above, the variant was classified as likely benign.